The following is an entry in ClinVar:

NM_001244008.2(KIF1A):c.3913A>C (p.Asn1305His)

Gene: KIF1A (kinesin family member 1A; minus strand). Cytogenetic location: 2q37.3.
Variant type: single nucleotide variant.
Coding change: c.3913A>C on transcript NM_001244008.2 (MANE Select); coding-DNA position 3913, A replaced by C.
Protein change: p.Asn1305His; replaces asparagine 1305 with histidine.
Molecular consequence: missense variant.
Genome position (GRCh38, 1-based): chr2:240,737,157, T>G on the plus strand (A>C on the coding strand, the complement: KIF1A is on the minus strand). VCF-style: chr2-240737157-T-G. GRCh37 (hg19) VCF-style: chr2-241676574-T-G.
Other names: c.3637A>C, p.Asn1213His (NM_001320705.2, NM_001330289.2, NM_001379638.1); c.3712A>C, p.Asn1238His (NM_001330290.2, NM_001379634.1, NM_001379635.1 and 1 more transcripts); c.3988A>C, p.Asn1330His (NM_001379631.1); c.3862A>C, p.Asn1288His (NM_001379632.1); c.3886A>C, p.Asn1296His (NM_001379633.1, NM_001379642.1, NM_001379645.1); c.3724A>C, p.Asn1242His (NM_001379636.1); c.3685A>C, p.Asn1229His (NM_001379637.1, NM_001379648.1); c.3610A>C, p.Asn1204His (NM_001379639.1, NM_001379641.1, NM_001379649.1 and 5 more transcripts); and 1 more; short protein forms N1242H, N1296H, N1305H, N1213H, N1229H, N1204H, N1330H, N1203H.
Identifiers: ClinVar variation 1896252 (VCV001896252.5), dbSNP rs2537081739, ClinGen allele CA351313008.

ClinVar aggregate classification (germline): Uncertain significance (1 of 4 stars; one submission).

Conditions:
Hereditary spastic paraplegia 30. Identifiers: Orphanet 101010, MedGen C5235139, MONDO:0012476.
Neuropathy, hereditary sensory, type 2C. Also called: Hereditary sensory and autonomic neuropathy type IIC; KIF1A-Related HSAN2 (HSAN2C). Identifiers: Orphanet 970, MedGen C3280168, MONDO:0013634, OMIM 614213.
Intellectual disability, autosomal dominant 9 (NESCAVS). Also called: NESCAV SYNDROME; KIF1A-Related Neurodevelopmental Disorder. Identifiers: Orphanet 662367, MedGen C5393830, MONDO:0013656, OMIM 614255.

gnomAD v4.1: 1 of 1,613,298 alleles (0.000062%); highest among the groups gnomAD compares: Non-Finnish European, 0.000085%; no homozygotes.

Submission:

Labcorp Genetics (formerly Invitae), Labcorp
Classification: Uncertain significance for Hereditary spastic paraplegia 30; Neuropathy, hereditary sensory, type 2C; Intellectual disability, autosomal dominant 9. Last evaluated: 2024-10-24. Review status: criteria provided, single submitter. Criteria: Invitae Variant Classification Sherloc (09022015). Collection method: clinical testing. Allele origin: germline.
Comment: This sequence change replaces asparagine, which is neutral and polar, with histidine, which is basic and polar, at codon 1204 of the KIF1A protein (p.Asn1204His). This variant is not present in population databases (gnomAD no frequency). This variant has not been reported in the literature in individuals affected with KIF1A-related conditions. ClinVar contains an entry for this variant (Variation ID: 1896252). Invitae Evidence Modeling of protein sequence and biophysical properties (such as structural, functional, and spatial information, amino acid conservation, physicochemical variation, residue mobility, and thermodynamic stability) indicates that this missense variant is not expected to disrupt KIF1A protein function with a negative predictive value of 95%. In summary, the available evidence is currently insufficient to determine the role of this variant in disease. Therefore, it has been classified as a Variant of Uncertain Significance.